The following is an entry in ClinVar:

NM_000083.3(CLCN1):c.1402-9C>T

Gene: CLCN1 (chloride voltage-gated channel 1; plus strand). Cytogenetic location: 7q34.
Variant type: single nucleotide variant.
Coding change: c.1402-9C>T on transcript NM_000083.3 (MANE Select); 9 bases into the intron before coding-DNA position 1402, C replaced by T.
Molecular consequence: intron variant.
Genome position (GRCh38, 1-based): chr7:143,339,244, C>T. VCF-style: chr7-143339244-C-T. GRCh37 (hg19) VCF-style: chr7-143036337-C-T.
Other names: p.?.
Identifiers: ClinVar variation 359111 (VCV000359111.26), dbSNP rs2272252, ClinGen allele CA4537364.

ClinVar aggregate classification (germline): Benign/Likely benign. Review status: criteria provided, multiple submitters, no conflicts (2 of 4 stars). 12 submissions from 11 submitters: Benign (9); Likely benign (1). 2 of the submissions do not count toward it. Last evaluated 2026-02-04.

Conditions:
Congenital myotonia, autosomal dominant form (THD). Also called: THOMSEN DISEASE; Myotonia congenita autosomal dominant. Identifiers: Orphanet 614, MedGen C2936781, MONDO:0008055, OMIM 160800.
Congenital myotonia, autosomal recessive form. Also called: myotonia congenita, autosomal recessive; BECKER DISEASE; Becker Generalized Myotonia. Identifiers: Orphanet 614, MedGen C0751360, MONDO:0009715, OMIM 255700.
Batten-Turner congenital myopathy. Also called: Myotonia congenita; Congenital myotonia. Identifiers: Orphanet 206973, MedGen C0027127, MONDO:0100468, OMIM 255300.

Allele frequency attached by ClinVar (database versions not stated): gnomAD exomes 0.40086 and 0.40838; ExAC 0.41080; 1000 Genomes Project 0.41434; 1000 Genomes Project 30x 0.41833; gnomAD 0.43982 and 0.44267; TOPMed 0.44074; ESP Exome Variant Server 0.47240.
gnomAD v4.1: 650,091 of 1,578,338 alleles (41%); highest among the groups gnomAD compares: African/African-American, 56%; 136,568 homozygotes.

Submissions (12):

Labcorp Genetics (formerly Invitae), Labcorp
Classification: Benign for Congenital myotonia, autosomal recessive form; Congenital myotonia, autosomal dominant form. Last evaluated: 2026-02-04. Review status: criteria provided, single submitter. Criteria: Invitae Variant Classification Sherloc (09022015). Collection method: clinical testing. Allele origin: germline.

Women's Health and Genetics/Laboratory Corporation of America, LabCorp
Classification: Benign. Last evaluated: 2025-07-25. Review status: criteria provided, single submitter. Criteria: LabCorp Variant Classification Summary - May 2015. Collection method: clinical testing. Allele origin: germline.

Blueprint Genetics
Classification: Likely benign. Last evaluated: 2024-11-27. Review status: criteria provided, single submitter. Criteria: ACMG Guidelines, 2015. Collection method: clinical testing. Allele origin: germline.

Genome-Nilou Lab
Classification: Benign for Congenital myotonia, autosomal dominant form. Last evaluated: 2021-07-22. Review status: criteria provided, single submitter. Criteria: ACMG Guidelines, 2015. Collection method: clinical testing. Allele origin: germline. Affected: no.

Genome-Nilou Lab
Classification: Benign for Congenital myotonia, autosomal recessive form. Last evaluated: 2021-07-22. Review status: criteria provided, single submitter. Criteria: ACMG Guidelines, 2015. Collection method: clinical testing. Allele origin: germline. Affected: no.

Athena Diagnostics
Classification: Benign. Last evaluated: 2021-04-22. Review status: criteria provided, single submitter. Criteria: Athena Diagnostics Criteria. Collection method: clinical testing. Allele origin: unknown.

Illumina Laboratory Services, Illumina
Classification: Benign for Myotonia congenita. Last evaluated: 2018-01-12. Review status: criteria provided, single submitter. Criteria: ICSL Variant Classification Criteria 13 December 2019. Collection method: clinical testing. Allele origin: germline.
Comment: This variant was observed in the ICSL laboratory as part of a predisposition screen in an ostensibly healthy population. It had not been previously curated by ICSL or reported in the Human Gene Mutation Database (HGMD: prior to June 1st, 2018), and was therefore a candidate for classification through an automated scoring system. Utilizing variant allele frequency, disease prevalence and penetrance estimates, and inheritance mode, an automated score was calculated to assess if this variant is too frequent to cause the disease. Based on the score and internal cut-off values, a variant classified as benign is not then subjected to further curation. The score for this variant resulted in a classification of benign for this disease.

Mayo Clinic Laboratories, Mayo Clinic
Classification: Benign. Last evaluated: 2017-10-11. Review status: criteria provided, single submitter. Criteria: ACMG Guidelines, 2015. Collection method: clinical testing. Allele origin: germline. Observed: 374 variant alleles.

GeneDx
Classification: Benign. Last evaluated: 2016-01-28. Review status: criteria provided, single submitter. Criteria: GeneDx Variant Classification (06012015). Collection method: clinical testing. Allele origin: germline. Affected: yes.
Comment: This variant is considered likely benign or benign based on one or more of the following criteria: it is a conservative change, it occurs at a poorly conserved position in the protein, it is predicted to be benign by multiple in silico algorithms, and/or has population frequency not consistent with disease.

Breakthrough Genomics
Classification: Benign. Review status: criteria provided, single submitter. Criteria: ACMG Guidelines, 2015. Collection method: not provided. Allele origin: germline. Inheritance: Autosomal recessive inheritance. Affected: yes.

Diagnostic Laboratory, Department of Genetics, University Medical Center Groningen
Classification: Benign. Review status: no assertion criteria provided. Collection method: clinical testing. Allele origin: germline. Affected: yes. Study: VKGL Data-share Consensus. Not counted in ClinVar's aggregate classification.

Joint Genome Diagnostic Labs from Nijmegen and Maastricht, Radboudumc and MUMC+
Classification: Benign. Review status: no assertion criteria provided. Collection method: clinical testing. Allele origin: germline. Affected: yes. Study: VKGL Data-share Consensus. Not counted in ClinVar's aggregate classification.